The following is an entry in ClinVar:

ClinVar aggregate classification (germline): Uncertain significance (1 of 4 stars; one submission).

Conditions:
Inborn genetic diseases. Identifiers: MedGen C0950123, MeSH D030342.

Allele frequency attached by ClinVar (database versions not stated): TOPMed below 0.00001; ExAC 0.00001; gnomAD 0.00001; gnomAD exomes 0.00001 and 0.00002.
gnomAD v4.1: 6 of 1,613,904 alleles (0.00037%); highest among the groups gnomAD compares: Admixed American, 0.01%; no homozygotes.

Submission:

Ambry Genetics
Classification: Uncertain significance for Inborn genetic diseases. Last evaluated: 2017-06-12. Review status: criteria provided, single submitter. Criteria: Ambry Variant Classification Scheme 2023. Collection method: clinical testing. Allele origin: germline.
Comment: The p.M657V variant (also known as c.1969A>G), located in coding exon 18 of the CC2D1A gene, results from an A to G substitution at nucleotide position 1969. The methionine at codon 657 is replaced by valine, an amino acid with highly similar properties. This amino acid position is not well conserved in available vertebrate species. In addition, this alteration is predicted to be tolerated by in silico analysis. Since supporting evidence is limited at this time, the clinical significance of this alteration remains unclear.

NM_017721.5(CC2D1A):c.1969A>G (p.Met657Val)

Gene: CC2D1A (coiled-coil and C2 domain containing 1A; plus strand). Cytogenetic location: 19p13.12.
Variant type: single nucleotide variant.
Coding change: c.1969A>G on transcript NM_017721.5 (MANE Select); coding-DNA position 1969, A replaced by G.
Protein change: p.Met657Val; replaces methionine 657 with valine.
Molecular consequence: missense variant.
Genome position (GRCh38, 1-based): chr19:13,926,545, A>G. VCF-style: chr19-13926545-A-G. GRCh37 (hg19) VCF-style: chr19-14037358-A-G.
Other names: short protein forms M657V.
Identifiers: ClinVar variation 589220 (VCV000589220.5), dbSNP rs763194652, ClinGen allele CA9244882.